The following is an entry in ClinVar:

ClinVar aggregate classification (germline): Pathogenic (1 of 4 stars; one submission).

Conditions:
Neurofibromatosis, type 2 (SWNV). Also called: BILATERAL ACOUSTIC NEUROFIBROMATOSIS; SCHWANNOMATOSIS, VESTIBULAR; NF2-Related Schwannomatosis. Identifiers: Orphanet 637, MedGen C0027832, MONDO:0007039, OMIM 101000. Disease mechanism: loss of function.

Submission:

Labcorp Genetics (formerly Invitae), Labcorp
Classification: Pathogenic for Neurofibromatosis, type 2. Last evaluated: 2021-04-03. Review status: criteria provided, single submitter. Criteria: Invitae Variant Classification Sherloc (09022015). Collection method: clinical testing. Allele origin: germline.
Comment: For these reasons, this variant has been classified as Pathogenic. This variant has not been reported in the literature in individuals with NF2-related conditions. This variant is not present in population databases (ExAC no frequency). This sequence change creates a premature translational stop signal (p.Glu434*) in the NF2 gene. It is expected to result in an absent or disrupted protein product. Loss-of-function variants in NF2 are known to be pathogenic (PMID: 9643284, 16983642).

Literature cited by the submitters: PubMed 9643284; PubMed 16983642.

NM_000268.4(NF2):c.1300G>T (p.Glu434Ter)

Gene: NF2 (NF2, moesin-ezrin-radixin like (MERLIN) tumor suppressor; plus strand). Cytogenetic location: 22q12.2.
Variant type: single nucleotide variant.
Coding change: c.1300G>T on transcript NM_000268.4 (MANE Select); coding-DNA position 1300, G replaced by T.
Protein change: p.Glu434Ter; replaces glutamic acid 434 with a stop codon.
Molecular consequence: nonsense. On other transcripts: non-coding transcript variant (1), intron variant (1).
Genome position (GRCh38, 1-based): chr22:29,673,446, G>T. VCF-style: chr22-29673446-G-T. GRCh37 (hg19) VCF-style: chr22-30069435-G-T.
Other names: c.1300G>T, p.Glu434Ter (NM_016418.5, NM_181825.3, NM_181832.3); c.1174G>T, p.Glu392Ter (NM_181828.3); c.1177G>T, p.Glu393Ter (NM_181829.3); c.1051G>T, p.Glu351Ter (NM_181830.3, NM_181831.3); c.448-21306G>T (NM_181833.3); short protein forms E434*, E392*, E393*, E351*.
Identifiers: ClinVar variation 1456900 (VCV001456900.6), dbSNP rs992662337, ClinGen allele CA411148575.